The following is an entry in ClinVar:

NM_016247.4(IMPG2):c.2851A>G (p.Ile951Val)

Gene: IMPG2 (interphotoreceptor matrix proteoglycan 2; minus strand). Cytogenetic location: 3q12.3.
Variant type: single nucleotide variant.
Coding change: c.2851A>G on transcript NM_016247.4 (MANE Select); coding-DNA position 2851, A replaced by G.
Protein change: p.Ile951Val; replaces isoleucine 951 with valine.
Molecular consequence: missense variant.
Genome position (GRCh38, 1-based): chr3:101,242,859, T>C on the plus strand (A>G on the coding strand, the complement: IMPG2 is on the minus strand). VCF-style: chr3-101242859-T-C. GRCh37 (hg19) VCF-style: chr3-100961703-T-C.
Other names: c.2851A>G (NM_016247.3); short protein forms I951V.
Identifiers: ClinVar variation 1008720 (VCV001008720.7), dbSNP rs1038588264, ClinGen allele CA79721152.

ClinVar aggregate classification (germline): Uncertain significance. Review status: criteria provided, multiple submitters, no conflicts (2 of 4 stars). 2 submissions from 2 submitters: Uncertain significance (2). Last evaluated 2025-10-30.

Conditions:
Inborn genetic diseases. Identifiers: MedGen C0950123, MeSH D030342.

Allele frequency attached by ClinVar (database versions not stated): gnomAD 0.00001; TOPMed 0.00001; gnomAD exomes below 0.00001 and 0.00001.
gnomAD v4.1: 6 of 1,613,974 alleles (0.00037%); highest among the groups gnomAD compares: East Asian, 0.0022%; no homozygotes.

Submissions (2):

Ambry Genetics
Classification: Uncertain significance for Inborn genetic diseases. Last evaluated: 2025-10-30. Review status: criteria provided, single submitter. Criteria: Ambry Variant Classification Scheme 2023. Collection method: clinical testing. Allele origin: germline.

Labcorp Genetics (formerly Invitae), Labcorp
Classification: Uncertain significance. Last evaluated: 2022-01-16. Review status: criteria provided, single submitter. Criteria: Invitae Variant Classification Sherloc (09022015). Collection method: clinical testing. Allele origin: germline.
Comment: In summary, the available evidence is currently insufficient to determine the role of this variant in disease. Therefore, it has been classified as a Variant of Uncertain Significance. Algorithms developed to predict the effect of missense changes on protein structure and function (SIFT, PolyPhen-2, Align-GVGD) all suggest that this variant is likely to be disruptive. ClinVar contains an entry for this variant (Variation ID: 1008720). This variant has not been reported in the literature in individuals affected with IMPG2-related conditions. This variant is present in population databases (no rsID available, gnomAD 0.002%). This sequence change replaces isoleucine, which is neutral and non-polar, with valine, which is neutral and non-polar, at codon 951 of the IMPG2 protein (p.Ile951Val).